The following is an entry in ClinVar:

ClinVar aggregate classification (germline): Uncertain significance (1 of 4 stars; one submission).

Submission:

Labcorp Genetics (formerly Invitae), Labcorp
Classification: Uncertain significance. Last evaluated: 2026-02-01. Review status: criteria provided, single submitter. Criteria: Invitae Variant Classification Sherloc (09022015). Collection method: clinical testing. Allele origin: germline.
Comment: This sequence change replaces asparagine, which is neutral and polar, with isoleucine, which is neutral and non-polar, at codon 3397 of the HUWE1 protein (p.Asn3397Ile). This variant is not present in population databases (gnomAD no frequency). This variant has not been reported in the literature in individuals affected with HUWE1-related conditions. Invitae Evidence Modeling of protein sequence and biophysical properties (such as structural, functional, and spatial information, amino acid conservation, physicochemical variation, residue mobility, and thermodynamic stability) has been performed for this missense variant. However, the output from this modeling did not meet the statistical confidence thresholds required to predict the impact of this variant on HUWE1 protein function. In summary, the available evidence is currently insufficient to determine the role of this variant in disease. Therefore, it has been classified as a Variant of Uncertain Significance.

NM_031407.7(HUWE1):c.10190A>T (p.Asn3397Ile)

Gene: HUWE1 (HECT, UBA and WWE domain containing E3 ubiquitin protein ligase 1; minus strand). Cytogenetic location: Xp11.22.
Variant type: single nucleotide variant.
Coding change: c.10190A>T on transcript NM_031407.7 (MANE Select); coding-DNA position 10190, A replaced by T.
Protein change: p.Asn3397Ile; replaces asparagine 3397 with isoleucine.
Molecular consequence: missense variant.
Genome position (GRCh38, 1-based): chrX:53,548,119, T>A on the plus strand (A>T on the coding strand, the complement: HUWE1 is on the minus strand). VCF-style: chrX-53548119-T-A. GRCh37 (hg19) VCF-style: chrX-53575080-T-A.
Other names: c.10187A>T, p.Asn3396Ile (NM_001441048.1, NM_001441051.1, NM_001441053.1 and 2 more transcripts); c.10190A>T, p.Asn3397Ile (NM_001441049.1, NM_001441054.1, NM_001441057.1); c.10211A>T, p.Asn3404Ile (NM_001441050.1, NM_001441055.1); c.9788A>T, p.Asn3263Ile (NM_001441052.1); short protein forms N3263I, N3396I, N3397I, N3404I.
Identifiers: ClinVar variation 4799570 (VCV004799570.1).